The following is an entry in ClinVar:

NM_002506.3(NGF):c.561C>T (p.Ser187=)

Genes: NGF (nerve growth factor; minus strand), NGF-AS1 (NGF antisense RNA 1; plus strand). Cytogenetic location: 1p13.2.
Variant type: single nucleotide variant.
Coding change: c.561C>T on transcript NM_002506.3 (MANE Select); coding-DNA position 561, C replaced by T.
Protein change: p.Ser187=; no amino-acid change (serine 187 retained).
Molecular consequence: synonymous variant.
Genome position (GRCh38, 1-based): chr1:115,286,235, G>A on the plus strand (C>T on the coding strand, the complement: NGF is on the minus strand). VCF-style: chr1-115286235-G-A. GRCh37 (hg19) VCF-style: chr1-115828856-G-A.
Identifiers: ClinVar variation 456635 (VCV000456635.12), dbSNP rs779744960, ClinGen allele CA1022952.

ClinVar aggregate classification (germline): Likely benign. Review status: criteria provided, multiple submitters, no conflicts (2 of 4 stars). 2 submissions from 2 submitters: Likely benign (2). Last evaluated 2025-10-06.

Conditions:
Congenital sensory neuropathy with selective loss of small myelinated fibers (HSAN5). Also called: HSAN Type V. Identifiers: Orphanet 64752, MedGen C0020075, MONDO:0012092, OMIM 608654.
NGF-related disorder. Also called: NGF-related condition.

Allele frequency attached by ClinVar (database versions not stated): gnomAD 0.00006; TOPMed 0.00006; ExAC 0.00008; gnomAD exomes 0.00008 and 0.00013.
gnomAD v4.1: 203 of 1,614,012 alleles (0.013%); highest among the groups gnomAD compares: Non-Finnish European, 0.016%; no homozygotes.

Submissions (2):

PreventionGenetics, part of Exact Sciences
Classification: Likely benign for NGF-related condition. Last evaluated: 2025-10-06. Review status: criteria provided, single submitter. Criteria: ACMG Guidelines, 2015. Collection method: clinical testing. Allele origin: germline.
Comment: This variant is classified as likely benign based on ACMG/AMP sequence variant interpretation guidelines (Richards et al. 2015 PMID: 25741868, with internal and published modifications).

Labcorp Genetics (formerly Invitae), Labcorp
Classification: Likely benign for Congenital sensory neuropathy with selective loss of small myelinated fibers. Last evaluated: 2025-02-09. Review status: criteria provided, single submitter. Criteria: Invitae Variant Classification Sherloc (09022015). Collection method: clinical testing. Allele origin: germline.